The following is an entry in ClinVar:

ClinVar aggregate classification (germline): Uncertain significance (1 of 4 stars; one submission).

Conditions:
Microcephaly-intellectual disability-sensorineural hearing loss-epilepsy-abnormal muscle tone syndrome (NEDHSB). Also called: NEURODEVELOPMENTAL DISORDER WITH HEARING LOSS, SEIZURES, AND BRAIN ABNORMALITIES. Identifiers: Orphanet 457351, MedGen C4225276, MONDO:0014698, OMIM 616577.

Allele frequency attached by ClinVar (database versions not stated): TOPMed below 0.00001.
gnomAD v4.1: 1 of 1,613,906 alleles (0.000062%); highest among the groups gnomAD compares: Non-Finnish European, 0.000085%; no homozygotes.

Submission:

Labcorp Genetics (formerly Invitae), Labcorp
Classification: Uncertain significance for Microcephaly-intellectual disability-sensorineural hearing loss-epilepsy-abnormal muscle tone syndrome. Last evaluated: 2019-02-04. Review status: criteria provided, single submitter. Criteria: Invitae Variant Classification Sherloc (09022015). Collection method: clinical testing. Allele origin: germline.
Comment: In summary, the available evidence is currently insufficient to determine the role of this variant in disease. Therefore, it has been classified as a Variant of Uncertain Significance. Algorithms developed to predict the effect of missense changes on protein structure and function output the following: SIFT: "Tolerated"; PolyPhen-2: "Benign"; Align-GVGD: "Class C0". The threonine amino acid residue is found in multiple mammalian species, suggesting that this missense change does not adversely affect protein function. These predictions have not been confirmed by published functional studies and their clinical significance is uncertain. This variant has not been reported in the literature in individuals with SPATA5-related conditions. This variant is not present in population databases (ExAC no frequency). This sequence change replaces serine with threonine at codon 43 of the SPATA5 protein (p.Ser43Thr). The serine residue is weakly conserved and there is a small physicochemical difference between serine and threonine.

NM_145207.3(AFG2A):c.127T>A (p.Ser43Thr)

Gene: AFG2A (AAA ATPase AFG2A; plus strand). Cytogenetic location: 4q28.1.
Variant type: single nucleotide variant.
Coding change: c.127T>A on transcript NM_145207.3 (MANE Select); coding-DNA position 127, T replaced by A.
Protein change: p.Ser43Thr; replaces serine 43 with threonine.
Molecular consequence: missense variant.
Genome position (GRCh38, 1-based): chr4:122,923,269, T>A. VCF-style: chr4-122923269-T-A. GRCh37 (hg19) VCF-style: chr4-123844424-T-A.
Other names: c.127T>A, p.Ser43Thr (NM_001317799.2, NM_001345856.2); short protein forms S43T.
Identifiers: ClinVar variation 841581 (VCV000841581.6), dbSNP rs1447532850, ClinGen allele CA358097378.
Genomic context (GRCh38, chr4:122,923,269, plus strand): 5'-GCTGCTTCCTCTTGTGCGGAGGCACGGGCTCCTTCTGCTGGATCAGACTTCGCGGCAACC[T>A]CCGGGACTCTGACGGTGACCAACTTATTAGAAAAGGGTAAAGAATTCCGGGTGGGAGACT-3'
Protein context (NP_660208.2, residues 33-53): PSAGSDFAAT[Ser43Thr]GTLTVTNLLE